The following is an entry in ClinVar:

ClinVar aggregate classification (germline): Uncertain significance (1 of 4 stars; one submission).

Allele frequency attached by ClinVar (database versions not stated): gnomAD exomes below 0.00001.
gnomAD v4.1: 1 of 1,614,202 alleles (0.000062%); highest among the groups gnomAD compares: Non-Finnish European, 0.000085%; no homozygotes.

Submission:

CeGaT Center for Human Genetics Tuebingen
Classification: Uncertain significance. Last evaluated: 2023-06-01. Review status: criteria provided, single submitter. Criteria: CeGaT Center For Human Genetics Tuebingen Variant Classification Criteria Version 2. Collection method: clinical testing. Allele origin: germline. Affected: yes. Observed: 1 variant allele.
Comment: TJP2: PM2, BP4

NM_004817.4(TJP2):c.3277A>G (p.Arg1093Gly)

Gene: TJP2 (tight junction protein 2; plus strand). Cytogenetic location: 9q21.11.
Variant type: single nucleotide variant.
Coding change: c.3277A>G on transcript NM_004817.4 (MANE Select); coding-DNA position 3277, A replaced by G.
Protein change: p.Arg1093Gly; replaces arginine 1093 with glycine.
Molecular consequence: missense variant. On other transcripts: intron variant (3).
Genome position (GRCh38, 1-based): chr9:69,251,320, A>G. VCF-style: chr9-69251320-A-G. GRCh37 (hg19) VCF-style: chr9-71866236-A-G.
Other names: c.3178A>G, p.Arg1060Gly (NM_001170415.1); c.3370A>G, p.Arg1124Gly (NM_001170416.2); c.3202A>G, p.Arg1068Gly (NM_001369870.1); c.3208A>G, p.Arg1070Gly (NM_001369871.1); c.3166A>G, p.Arg1056Gly (NM_001369872.1); c.2953A>G, p.Arg985Gly (NM_001369873.1); c.3289A>G, p.Arg1097Gly (NM_001369875.1); c.2812-1495A>G (NM_001170414.2); and 2 more; short protein forms R1056G, R1060G, R1068G, R1070G, R1093G, R1097G, R1124G, R985G.
Identifiers: ClinVar variation 2659241 (VCV002659241.24), dbSNP rs2538703005, ClinGen allele CA373542297.